The following is an entry in ClinVar:

ClinVar aggregate classification (germline): Likely benign. Review status: criteria provided, multiple submitters, no conflicts (2 of 4 stars). 2 submissions from 2 submitters: Likely benign (2). Last evaluated 2025-05-09.

Conditions:
MORC2-related disorder. Also called: MORC2-related condition.
Charcot-Marie-Tooth disease axonal type 2Z. Also called: CHARCOT-MARIE-TOOTH DISEASE, AXONAL, AUTOSOMAL DOMINANT, TYPE 2Z; CHARCOT-MARIE-TOOTH NEUROPATHY, TYPE 2Z. Identifiers: Orphanet 466768, MedGen C5569025, MONDO:0014736, OMIM 616688.

Allele frequency attached by ClinVar (database versions not stated): TOPMed 0.00012; ESP Exome Variant Server 0.00023; gnomAD exomes 0.00001; ExAC 0.00002; gnomAD 0.00007 and 0.00008.
gnomAD v4.1: 19 of 1,613,570 alleles (0.0012%); highest among the groups gnomAD compares: African/African-American, 0.025%; no homozygotes.

Submissions (2):

PreventionGenetics, part of Exact Sciences
Classification: Likely benign for MORC2-related condition. Last evaluated: 2025-05-09. Review status: criteria provided, single submitter. Criteria: ACMG Guidelines, 2015. Collection method: clinical testing. Allele origin: germline.
Comment: This variant is classified as likely benign based on ACMG/AMP sequence variant interpretation guidelines (Richards et al. 2015 PMID: 25741868, with internal and published modifications).

Labcorp Genetics (formerly Invitae), Labcorp
Classification: Likely benign for Charcot-Marie-Tooth disease axonal type 2Z. Last evaluated: 2024-12-02. Review status: criteria provided, single submitter. Criteria: Invitae Variant Classification Sherloc (09022015). Collection method: clinical testing. Allele origin: germline.

NM_001303256.3(MORC2):c.3066C>G (p.Ala1022=)

Gene: MORC2 (MORC family CW-type zinc finger 2; minus strand). Cytogenetic location: 22q12.2.
Variant type: single nucleotide variant.
Coding change: c.3066C>G on transcript NM_001303256.3 (MANE Select); coding-DNA position 3066, C replaced by G.
Protein change: p.Ala1022=; no amino-acid change (alanine 1022 retained).
Molecular consequence: synonymous variant.
Genome position (GRCh38, 1-based): chr22:30,926,836, G>C on the plus strand (C>G on the coding strand, the complement: MORC2 is on the minus strand). VCF-style: chr22-30926836-G-C. GRCh37 (hg19) VCF-style: chr22-31322823-G-C.
Other names: c.3057C>G, p.Ala1019= (NM_001303257.2); c.2880C>G, p.Ala960= (NM_014941.3); c.3066C>G (NM_001303256.2).
Identifiers: ClinVar variation 1151973 (VCV001151973.10), dbSNP rs146032580, ClinGen allele CA10186460.
Genomic context (GRCh38, chr22:30,926,836, plus strand): 5'-GCAGGGGAGCTGCTCTCTCTCCTGCCTTCAGTCCCCCTTGGTGATGAGGTCCTCAATGTA[G>C]GCGTCCAGCTCATCATCTGTGTTGATGTCTATGTCCTGGAATAGAGCAGGGTAGGGATCA-3'
Protein context (NP_001290185.1, residues 1012-1032): IDINTDDELD[Ala1022=]YIEDLITKGD